The following is an entry in ClinVar:

NM_000532.5(PCCB):c.1444G>T (p.Ala482Ser)

Gene: PCCB (propionyl-CoA carboxylase subunit beta; plus strand). Cytogenetic location: 3q22.3.
Variant type: single nucleotide variant.
Coding change: c.1444G>T on transcript NM_000532.5 (MANE Select); coding-DNA position 1444, G replaced by T.
Protein change: p.Ala482Ser; replaces alanine 482 with serine.
Molecular consequence: missense variant.
Genome position (GRCh38, 1-based): chr3:136,328,803, G>T. VCF-style: chr3-136328803-G-T. GRCh37 (hg19) VCF-style: chr3-136047645-G-T.
Other names: c.1504G>T, p.Ala502Ser (NM_001178014.2); short protein forms A482S, A502S.
Identifiers: ClinVar variation 1402663 (VCV001402663.4), dbSNP rs752000929, ClinGen allele CA354649642.
Genomic context (GRCh38, chr3:136,328,803, plus strand): 5'-CTCCTCTAATCACAGGGCGCTGTGGAGATCATCTTCAAAGGGCATGAGAATGTGGAAGCT[G>T]CTCAGGCAGAGTACATCGAGAAGTTTGCCAACCCTTTCCCTGCAGCAGTGCGAGGTAGGG-3'
Protein context (NP_000523.2, residues 472-492): IFKGHENVEA[Ala482Ser]QAEYIEKFAN

ClinVar aggregate classification (germline): Uncertain significance (1 of 4 stars; one submission).

Conditions:
Propionic acidemia (PROP). Also called: GLYCINEMIA, KETOTIC; HYPERGLYCINEMIA WITH KETOACIDOSIS AND LEUKOPENIA; KETOTIC HYPERGLYCINEMIA. Identifiers: Orphanet 35, MedGen C0268579, MONDO:0011628, OMIM 606054, HP:0003571.

Allele frequency attached by ClinVar (database versions not stated): TOPMed below 0.00001; gnomAD 0.00001.
gnomAD v4.1: 11 of 1,614,064 alleles (0.00068%); highest among the groups gnomAD compares: Non-Finnish European, 0.00093%; no homozygotes.

Submission:

Labcorp Genetics (formerly Invitae), Labcorp
Classification: Uncertain significance for Propionic acidemia. Last evaluated: 2022-08-09. Review status: criteria provided, single submitter. Criteria: Invitae Variant Classification Sherloc (09022015). Collection method: clinical testing. Allele origin: germline.
Comment: This sequence change replaces alanine, which is neutral and non-polar, with serine, which is neutral and polar, at codon 482 of the PCCB protein (p.Ala482Ser). This variant is not present in population databases (gnomAD no frequency). This variant has not been reported in the literature in individuals affected with PCCB-related conditions. ClinVar contains an entry for this variant (Variation ID: 1402663). Advanced modeling of protein sequence and biophysical properties (such as structural, functional, and spatial information, amino acid conservation, physicochemical variation, residue mobility, and thermodynamic stability) performed at Invitae indicates that this missense variant is not expected to disrupt PCCB protein function. In summary, the available evidence is currently insufficient to determine the role of this variant in disease. Therefore, it has been classified as a Variant of Uncertain Significance.